The following is an entry in ClinVar:

ClinVar aggregate classification (germline): Benign. Review status: criteria provided, multiple submitters, no conflicts (2 of 4 stars). 3 submissions from 3 submitters: Benign (2). 1 of the submissions does not count toward it. Last evaluated 2026-02-01.

Conditions:
DNAH9-related disorder. Also called: DNAH9-related condition.

Allele frequency attached by ClinVar (database versions not stated): gnomAD exomes 0.00105 and 0.00260; ExAC 0.00321; gnomAD 0.01088 and 0.01175; 1000 Genomes Project 0.01118; TOPMed 0.01204; ESP Exome Variant Server 0.01261; 1000 Genomes Project 30x 0.01296.
gnomAD v4.1: 3,247 of 1,614,096 alleles (0.2%); highest among the groups gnomAD compares: African/African-American, 3.9%; 74 homozygotes.

Submissions (3):

Labcorp Genetics (formerly Invitae), Labcorp
Classification: Benign. Last evaluated: 2026-02-01. Review status: criteria provided, single submitter. Criteria: Invitae Variant Classification Sherloc (09022015). Collection method: clinical testing. Allele origin: germline.

Breakthrough Genomics
Classification: Benign. Review status: criteria provided, single submitter. Criteria: ACMG Guidelines, 2015. Collection method: not provided. Allele origin: germline. Inheritance: Autosomal recessive inheritance. Affected: yes.

PreventionGenetics, part of Exact Sciences
Classification: Benign for DNAH9-related condition. Last evaluated: 2019-07-11. Review status: no assertion criteria provided. Collection method: clinical testing. Allele origin: germline. Not counted in ClinVar's aggregate classification.
Comment: This variant is classified as benign based on ACMG/AMP sequence variant interpretation guidelines (Richards et al. 2015 PMID: 25741868, with internal and published modifications).

NM_001372.4(DNAH9):c.3525G>A (p.Leu1175=)

Gene: DNAH9 (dynein axonemal heavy chain 9; plus strand). Cytogenetic location: 17p12.
Variant type: single nucleotide variant.
Coding change: c.3525G>A on transcript NM_001372.4 (MANE Select); coding-DNA position 3525, G replaced by A.
Protein change: p.Leu1175=; no amino-acid change (leucine 1175 retained).
Molecular consequence: synonymous variant.
Genome position (GRCh38, 1-based): chr17:11,679,928, G>A. VCF-style: chr17-11679928-G-A. GRCh37 (hg19) VCF-style: chr17-11583245-G-A.
Identifiers: ClinVar variation 786309 (VCV000786309.12), dbSNP rs8070788, ClinGen allele CA8395468.